The following is an entry in ClinVar:

NM_213653.4(HJV):c.239G>A (p.Cys80Tyr)

Gene: HJV (hemojuvelin BMP co-receptor; minus strand). Cytogenetic location: 1q21.1.
Variant type: single nucleotide variant.
Coding change: c.239G>A on transcript NM_213653.4 (MANE Select); coding-DNA position 239, G replaced by A.
Protein change: p.Cys80Tyr; replaces cysteine 80 with tyrosine.
Molecular consequence: missense variant. On other transcripts: 5 prime UTR variant (1), intron variant (3).
Genome position (GRCh38, 1-based): chr1:146,019,593, C>T on the plus strand (G>A on the coding strand, the complement: HJV is on the minus strand). VCF-style: chr1-146019593-C-T. GRCh37 (hg19) VCF-style: chr1-145415420-G-A.
Other names: c.239G>A (NM_213653.3); c.239G>A, p.Cys80Tyr (NM_001379352.1); c.-101G>A (NM_145277.5); c.-21-893G>A (NM_213652.4); c.-22+105G>A (NM_202004.4, NM_001316767.2); short protein forms C80Y.
Identifiers: ClinVar variation 3339782 (VCV003339782.2).

ClinVar aggregate classification (germline): Conflicting classifications of pathogenicity. Review status: criteria provided, conflicting classifications (1 of 4 stars). 2 submissions from 2 submitters: Likely pathogenic (1); Uncertain significance (1). Last evaluated 2025-05-13.

Conditions:
Hemochromatosis type 2A (HFE2A). Also called: Adult-Onset Hemochromatosis; HJV (HFE2)-Related Juvenile Hemochromatosis. Identifiers: Orphanet 79230, MedGen C1865614, MONDO:0011216, OMIM 602390.

gnomAD v4.1: 1 of 1,613,664 alleles (0.000062%); highest among the groups gnomAD compares: Non-Finnish European, 0.000085%; no homozygotes.

Submissions (2):

Natera, Inc.
Classification: Likely pathogenic for Hemochromatosis type 2A. Last evaluated: 2025-05-13. Review status: criteria provided, single submitter. Criteria: Natera Variant Classification Schema (03/2026). Collection method: clinical testing. Allele origin: germline.
Comment: The c.239G>A variant in HJV is a missense variant predicted to cause substitution of cysteine to tyrosine at amino acid 80. This variant is rare in the general population with a frequency below the threshold expected for the associated phenotype(s). This variant has been observed in one or more individuals affected with the associated recessive disease, as either homozygous or compound heterozygous with a second variant (PMID: 19342478). A different variant at the same position has been determined to be Pathogenic or Likely Pathogenic. Computational prediction algorithms indicate this variant is likely to affect gene or protein function. Given the available evidence, this variant is classified as Likely Pathogenic.

Women's Health and Genetics/Laboratory Corporation of America, LabCorp
Classification: Uncertain significance. Last evaluated: 2024-06-25. Review status: criteria provided, single submitter. Criteria: LabCorp Variant Classification Summary - May 2015. Collection method: clinical testing. Allele origin: germline.
Comment: Variant summary: HJV c.239G>A (p.Cys80Tyr) results in a non-conservative amino acid change in the encoded protein sequence. Four of four in-silico tools predict a damaging effect of the variant on protein function. The variant allele was found at a frequency of 6.2e-07 in 1613664 control chromosomes. The available data on variant occurrences in the general population are insufficient to allow any conclusion about variant significance. c.239G>A has been reported in the literature in a compound heterozygous individual affected with clinical features of Hemochromatosis Type 2A (Lok_2009). These data do not allow any conclusion about variant significance. To our knowledge, no experimental evidence demonstrating an impact on protein function has been reported. The following publication have been ascertained in the context of this evaluation (PMID: 19342478). No submitters have cited clinical-significance assessments for this variant to ClinVar. Based on the evidence outlined above, the variant was classified as uncertain significance.

Literature cited by the submitters: PubMed 19342478 (cited by Natera, Inc. and Women's Health and Genetics/Laboratory Corporation of America, LabCorp).